The following is an entry in ClinVar:

ClinVar aggregate classification (germline): Uncertain significance (1 of 4 stars; one submission).

Conditions:
Growth hormone insensitivity with immune dysregulation 1, autosomal recessive. Also called: Laron syndrome with immunodeficiency; GROWTH HORMONE INSENSITIVITY DUE TO POSTRECEPTOR DEFECT; LARON SYNDROME DUE TO POSTRECEPTOR DEFECT; GROWTH HORMONE INSENSITIVITY SYNDROME WITH IMMUNE DYSREGULATION 1, AUTOSOMAL RECESSIVE. Identifiers: Orphanet 220465, MedGen C5435698, MONDO:0100211, OMIM 245590.

Submission:

Labcorp Genetics (formerly Invitae), Labcorp
Classification: Uncertain significance for Growth hormone insensitivity with immune dysregulation 1, autosomal recessive. Last evaluated: 2025-10-12. Review status: criteria provided, single submitter. Criteria: Invitae Variant Classification Sherloc (09022015). Collection method: clinical testing. Allele origin: germline.
Comment: This sequence change replaces methionine, which is neutral and non-polar, with threonine, which is neutral and polar, at codon 103 of the STAT5B protein (p.Met103Thr). This variant is not present in population databases (gnomAD no frequency). This variant has not been reported in the literature in individuals affected with STAT5B-related conditions. Invitae Evidence Modeling of protein sequence and biophysical properties (such as structural, functional, and spatial information, amino acid conservation, physicochemical variation, residue mobility, and thermodynamic stability) indicates that this missense variant is not expected to disrupt STAT5B protein function with a negative predictive value of 80%. In summary, the available evidence is currently insufficient to determine the role of this variant in disease. Therefore, it has been classified as a Variant of Uncertain Significance.

NM_012448.4(STAT5B):c.308T>C (p.Met103Thr)

Gene: STAT5B (signal transducer and activator of transcription 5B; minus strand). Cytogenetic location: 17q21.2.
Variant type: single nucleotide variant.
Coding change: c.308T>C on transcript NM_012448.4 (MANE Select); coding-DNA position 308, T replaced by C.
Protein change: p.Met103Thr; replaces methionine 103 with threonine.
Molecular consequence: missense variant.
Genome position (GRCh38, 1-based): chr17:42,224,846, A>G on the plus strand (T>C on the coding strand, the complement: STAT5B is on the minus strand). VCF-style: chr17-42224846-A-G. GRCh37 (hg19) VCF-style: chr17-40376864-A-G.
Other names: short protein forms M103T.
Identifiers: ClinVar variation 4742359 (VCV004742359.1).